The following is an entry in ClinVar:

NM_000140.5(FECH):c.463+1G>C

Gene: FECH (ferrochelatase; minus strand). Cytogenetic location: 18q21.31.
Variant type: single nucleotide variant.
Coding change: c.463+1G>C on transcript NM_000140.5 (MANE Select); the canonical splice donor site of the intron after coding-DNA position 463, G replaced by C.
Molecular consequence: splice donor variant.
Genome position (GRCh38, 1-based): chr18:57,571,391, C>G on the plus strand (G>C on the coding strand, the complement: FECH is on the minus strand). VCF-style: chr18-57571391-C-G. GRCh37 (hg19) VCF-style: chr18-55238623-C-G.
Other names: c.463+1G>C (NM_001371094.1, NM_001374778.1); c.481+1G>C (NM_001012515.4); c.247+1G>C (NM_001371095.1).
Identifiers: ClinVar variation 1457371 (VCV001457371.9), dbSNP rs1206108637, ClinGen allele CA402536460.

ClinVar aggregate classification (germline): Pathogenic. Review status: criteria provided, multiple submitters, no conflicts (2 of 4 stars). 2 submissions from 2 submitters: Pathogenic (2). Last evaluated 2025-01-07.

Conditions:
Protoporphyria, erythropoietic, 1 (EPP1). Also called: FERROCHELATASE DEFICIENCY; HEME SYNTHETASE DEFICIENCY; Erythropoietic Protoporphyria, Autosomal Recessive. Identifiers: Orphanet 79278, MedGen C4692546, MONDO:0008319, OMIM 177000.

Allele frequency attached by ClinVar (database versions not stated): gnomAD exomes below 0.00001.

Submissions (2):

First Genomix Gene Laboratory, Genetic Diagnostics Department
Classification: Pathogenic for Protoporphyria, erythropoietic, 1. Last evaluated: 2025-01-07. Review status: criteria provided, single submitter. Criteria: ACMG Guidelines, 2015. Collection method: clinical testing. Allele origin: germline. Inheritance: Autosomal recessive inheritance. Affected: no. Observed: 1 variant allele.

Labcorp Genetics (formerly Invitae), Labcorp
Classification: Pathogenic. Last evaluated: 2024-03-08. Review status: criteria provided, single submitter. Criteria: Invitae Variant Classification Sherloc (09022015). Collection method: clinical testing. Allele origin: germline.
Comment: This sequence change affects a donor splice site in intron 4 of the FECH gene. RNA analysis indicates that disruption of this splice site induces altered splicing and may result in an absent or disrupted protein product. This variant is present in population databases (no rsID available, gnomAD 0.007%). Disruption of this splice site has been observed in individual(s) with erythropoietic protoporphyria (PMID: 9585598, 10417624, 17875872; Invitae). In at least one individual the data is consistent with being in trans (on the opposite chromosome) from a pathogenic variant. ClinVar contains an entry for this variant (Variation ID: 1457371). Studies have shown that disruption of this splice site results in skipping of exon 4 and introduces a premature termination codon (PMID: 9585598). The resulting mRNA is expected to undergo nonsense-mediated decay. For these reasons, this variant has been classified as Pathogenic.

Literature cited by the submitters: PubMed 9585598 (cited by Labcorp Genetics (formerly Invitae), Labcorp); PubMed 10417624 (cited by Labcorp Genetics (formerly Invitae), Labcorp); PubMed 17875872 (cited by Labcorp Genetics (formerly Invitae), Labcorp).